The following is an entry in ClinVar:

ClinVar aggregate classification (germline): Uncertain significance (1 of 4 stars; one submission).

Submission:

CeGaT Center for Human Genetics Tuebingen
Classification: Uncertain significance. Last evaluated: 2022-11-01. Review status: criteria provided, single submitter. Criteria: CeGaT Center For Human Genetics Tuebingen Variant Classification Criteria Version 2. Collection method: clinical testing. Allele origin: germline. Affected: yes. Observed: 1 variant allele.
Comment: NBEA: PM2, PVS1:Moderate

NM_001385012.1(NBEA):c.4927+1G>C

Gene: NBEA (neurobeachin; plus strand). Cytogenetic location: 13q13.3.
Variant type: single nucleotide variant.
Coding change: c.4927+1G>C on transcript NM_001385012.1 (MANE Select); the canonical splice donor site of the intron after coding-DNA position 4927, G replaced by C.
Molecular consequence: splice donor variant.
Genome position (GRCh38, 1-based): chr13:35,184,072, G>C. VCF-style: chr13-35184072-G-C. GRCh37 (hg19) VCF-style: chr13-35758209-G-C.
Other names: c.4927+1G>C (NM_015678.5); c.4918+1G>C (NM_001379245.1).
Identifiers: ClinVar variation 2643750 (VCV002643750.24), dbSNP rs2504007635, ClinGen allele CA387833615.